The following is an entry in ClinVar:

ClinVar aggregate classification (germline): Pathogenic (1 of 4 stars; one submission).

Submission:

Baylor Genetics
Classification: Pathogenic. Last evaluated: 2018-11-01. Review status: criteria provided, single submitter. Criteria: ACMG CNV Guidelines, 2011. Collection method: clinical testing. Allele origin: germline. Observed: 1 variant allele.
Comment: Deletions involving this region have been previously reported in patients with structural brain abnormalities [PMID:16686647; 24056535; 24736736]

GRCh37/hg19 6q27(chr6:166517762-170919470)

Genes: AFDN (afadin, adherens junction formation factor; plus strand), C6orf120 (chromosome 6 open reading frame 120; plus strand), CCR6 (C-C motif chemokine receptor 6; plus strand), CEP43 (centrosomal protein 43; plus strand), DACT2 (dishevelled binding antagonist of beta catenin 2; minus strand) and 23 more. Cytogenetic location: 6q27.
Variant type: copy number loss.
Identifiers: ClinVar variation 625656 (VCV000625656.1).